The following is an entry in ClinVar:

ClinVar aggregate classification (germline): Uncertain significance (1 of 4 stars; one submission).

Allele frequency attached by ClinVar (database versions not stated): ExAC 0.00001; TOPMed 0.00001.
gnomAD v4.1: 24 of 1,613,554 alleles (0.0015%); highest among the groups gnomAD compares: Non-Finnish European, 0.0019%; no homozygotes.

Submission:

Labcorp Genetics (formerly Invitae), Labcorp
Classification: Uncertain significance. Last evaluated: 2024-10-15. Review status: criteria provided, single submitter. Criteria: Invitae Variant Classification Sherloc (09022015). Collection method: clinical testing. Allele origin: germline.
Comment: This sequence change replaces leucine, which is neutral and non-polar, with valine, which is neutral and non-polar, at codon 735 of the RASA2 protein (p.Leu735Val). This variant is present in population databases (rs776550552, gnomAD 0.0009%). This variant has not been reported in the literature in individuals affected with RASA2-related conditions. Invitae Evidence Modeling of protein sequence and biophysical properties (such as structural, functional, and spatial information, amino acid conservation, physicochemical variation, residue mobility, and thermodynamic stability) indicates that this missense variant is not expected to disrupt RASA2 protein function with a negative predictive value of 80%. In summary, the available evidence is currently insufficient to determine the role of this variant in disease. Therefore, it has been classified as a Variant of Uncertain Significance.

NM_006506.5(RASA2):c.2203C>G (p.Leu735Val)

Gene: RASA2 (RAS p21 protein activator 2; plus strand). Cytogenetic location: 3q23.
Variant type: single nucleotide variant.
Coding change: c.2203C>G on transcript NM_006506.5 (MANE Select); coding-DNA position 2203, C replaced by G.
Protein change: p.Leu735Val; replaces leucine 735 with valine.
Molecular consequence: missense variant.
Genome position (GRCh38, 1-based): chr3:141,608,675, C>G. VCF-style: chr3-141608675-C-G. GRCh37 (hg19) VCF-style: chr3-141327517-C-G.
Other names: c.2206C>G, p.Leu736Val (NM_001303245.3); c.2215C>G, p.Leu739Val (NM_001303246.3); short protein forms L735V, L736V, L739V.
Identifiers: ClinVar variation 2955500 (VCV002955500.3), dbSNP rs776550552, ClinGen allele CA2645759.
Genomic context (GRCh38, chr3:141,608,675, plus strand): 5'-CATCCCTCTGTGTATCTGAACGGAAATTGGCTCTGCTGTCAGGAGACTGGTGAAAACACT[C>G]TCGGCTGCAAGCCATGTACTGCGTAAGTTTCTTTCTGATTATAAAAGCAGTGTGTCAAAA-3'
Protein context (NP_006497.2, residues 725-745): LCCQETGENT[Leu735Val]GCKPCTAGVP